The following is an entry in ClinVar:

ClinVar aggregate classification (germline): Pathogenic. Review status: criteria provided, multiple submitters, no conflicts (2 of 4 stars). 8 submissions from 8 submitters: Pathogenic (7). 1 of the submissions does not count toward it. Last evaluated 2025-07-24.

Conditions:
Arthrogryposis multiplex congenita 6. Identifiers: MedGen C5543431, MONDO:0030281, OMIM 619334.
Nemaline myopathy 2 (NEM2). Also called: Nemaline myopathy 2, autosomal recessive. Identifiers: MedGen C1850569, MONDO:0009725, OMIM 256030.
Nemaline myopathy. Also called: Myopathies, Nemaline. Identifiers: Orphanet 607, MedGen C0206157, MONDO:0018958.

Allele frequency attached by ClinVar (database versions not stated): gnomAD exomes below 0.00001; ExAC 0.00001; TOPMed 0.00002.
gnomAD v4.1: 3 of 1,613,730 alleles (0.00019%); highest among the groups gnomAD compares: Admixed American, 0.0017%; no homozygotes.

Submissions (8):

Natera, Inc.
Classification: Pathogenic for Nemaline myopathy type 2. Last evaluated: 2025-07-24. Review status: criteria provided, single submitter. Criteria: Natera Variant Classification Schema (03/2026). Collection method: clinical testing. Allele origin: germline.
Comment: The c.25093C>T variant in NEB is a nonsense variant predicted to introduce a stop codon at amino acid 8365. This variant is expected to result in nonsense mediated decay, truncation, or a dysfunctional protein product. This variant is rare in the general population with a frequency below the threshold expected for the associated phenotype(s). This variant has been observed in one or more individuals affected with the associated recessive disease, as either homozygous or compound heterozygous with a second variant (PMID: 33442022). Given the available evidence, this variant is classified as Pathogenic.

Labcorp Genetics (formerly Invitae), Labcorp
Classification: Pathogenic for Nemaline myopathy 2. Last evaluated: 2025-05-19. Review status: criteria provided, single submitter. Criteria: Invitae Variant Classification Sherloc (09022015). Collection method: clinical testing. Allele origin: germline.
Comment: This sequence change creates a premature translational stop signal (p.Arg8365*) in the NEB gene. It is expected to result in an absent or disrupted protein product. Loss-of-function variants in NEB are known to be pathogenic (PMID: 25205138). This variant is present in population databases (rs767709270, gnomAD 0.003%). This premature translational stop signal has been observed in individual(s) with clinical features of NEB-related conditions (PMID: 31230720). This variant is also known as c.24988C>T (p.Arg8330*). ClinVar contains an entry for this variant (Variation ID: 816837). For these reasons, this variant has been classified as Pathogenic.

GeneDx
Classification: Pathogenic. Last evaluated: 2023-08-25. Review status: criteria provided, single submitter. Criteria: GeneDx Variant Classification Process June 2021. Collection method: clinical testing. Allele origin: germline. Affected: yes.
Comment: Nonsense variant predicted to result in protein truncation or nonsense mediated decay in a gene for which loss of function is a known mechanism of disease; Not observed at significant frequency in large population cohorts (gnomAD); This variant is associated with the following publications: (PMID: 33442022, 31230720)

Baylor Genetics
Classification: Pathogenic for Arthrogryposis multiplex congenita 6. Last evaluated: 2023-07-25. Review status: criteria provided, single submitter. Criteria: ACMG Guidelines, 2015. Collection method: clinical testing. Allele origin: unknown.

Women's Health and Genetics/Laboratory Corporation of America, LabCorp
Classification: Pathogenic for Nemaline myopathy. Last evaluated: 2023-01-04. Review status: criteria provided, single submitter. Criteria: LabCorp Variant Classification Summary - May 2015. Collection method: clinical testing. Allele origin: germline.
Comment: Variant summary: NEB c.25093C>T (p.Arg8365X) results in a premature termination codon, predicted to cause a truncation of the encoded protein or absence of the protein due to nonsense mediated decay, which are commonly known mechanisms for disease. Truncations downstream of this position have been classified as pathogenic by our laboratory. The variant allele was found at a frequency of 4e-06 in 248972 control chromosomes (gnomAD). c.25093C>T has been reported in the literature in individuals affected with Arthrogryposis (Pehlivan_2019, Tolusso_2021). These data indicate that the variant is likely to be associated with disease. Two ClinVar submitters (evaluation after 2014) cite the variant as pathogenic. Based on the evidence outlined above, the variant was classified as pathogenic.

Revvity Omics, Revvity
Classification: Pathogenic. Last evaluated: 2022-03-21. Review status: criteria provided, single submitter. Criteria: ACMG Guidelines, 2015. Collection method: clinical testing. Allele origin: germline.

Fulgent Genetics
Classification: Pathogenic for Nemaline myopathy 2; Arthrogryposis multiplex congenita 6. Last evaluated: 2022-03-14. Review status: criteria provided, single submitter. Criteria: ACMG Guidelines, 2015. Collection method: clinical testing. Allele origin: unknown.

Lupski Lab, Baylor-Hopkins CMG, Baylor College of Medicine
Classification: Likely pathogenic for Nemaline myopathy 2. Review status: no assertion criteria provided. Collection method: research. Allele origin: inherited. Inheritance: Autosomal recessive inheritance. Affected: yes. Observed: 4 variant alleles, 3 heterozygotes, 1 homozygote. Not counted in ClinVar's aggregate classification.

Literature cited by the submitters: PubMed 33442022 (cited by Natera, Inc. and Women's Health and Genetics/Laboratory Corporation of America, LabCorp); PubMed 25205138 (cited by Labcorp Genetics (formerly Invitae), Labcorp); PubMed 31230720 (cited by Labcorp Genetics (formerly Invitae), Labcorp and Women's Health and Genetics/Laboratory Corporation of America, LabCorp).

NM_001164508.2(NEB):c.24988C>T (p.Arg8330Ter)

Genes: NEB (nebulin; minus strand), RIF1 (replication timing regulatory factor 1; plus strand). Cytogenetic location: 2q23.3.
Variant type: single nucleotide variant.
Coding change: c.24988C>T on transcript NM_001164508.2 (MANE Select); coding-DNA position 24988, C replaced by T.
Protein change: p.Arg8330Ter; replaces arginine 8330 with a stop codon.
Molecular consequence: nonsense.
Genome position (GRCh38, 1-based): chr2:151,492,167, G>A on the plus strand (C>T on the coding strand, the complement: NEB is on the minus strand). VCF-style: chr2-151492167-G-A. GRCh37 (hg19) VCF-style: chr2-152348681-G-A.
Other names: c.24988C>T, p.Arg8330Ter (NM_001164507.2); c.25093C>T, p.Arg8365Ter (NM_001271208.2); c.19420C>T, p.Arg6474Ter (NM_004543.5); c.25093C>T (NM_001271208.1); short protein forms R6474*, R8365*, R8330*.
Identifiers: ClinVar variation 816837 (VCV000816837.19), dbSNP rs767709270, ClinGen allele CA1905855.
Genomic context (GRCh38, chr2:151,492,167, plus strand): 5'-TCTCCTGATCTTGGTCATTCCGTTTTTGTTCCATTTCTACCACTTTCCTCTGAATACCTC[G>A]GTAGTTAATGTCACTGAAGTCCTGCATGTTCTTCTTTACTCGTTCAGTGATAGGATCTGT-3'